The following is an entry in ClinVar:

ClinVar aggregate classification (germline): Benign. Review status: criteria provided, multiple submitters, no conflicts (2 of 4 stars). 4 submissions from 4 submitters: Benign (4). Last evaluated 2026-01-18.

Allele frequency attached by ClinVar (database versions not stated): gnomAD 0.00398 and 0.00434; ESP Exome Variant Server 0.00402; TOPMed 0.00466; gnomAD exomes 0.00624 and 0.00841; 1000 Genomes Project 30x 0.00734; 1000 Genomes Project 0.00779; ExAC 0.00850.
gnomAD v4.1: 9,976 of 1,613,752 alleles (0.62%); highest among the groups gnomAD compares: South Asian, 3.2%; 105 homozygotes.

Submissions (4):

Labcorp Genetics (formerly Invitae), Labcorp
Classification: Benign. Last evaluated: 2026-01-18. Review status: criteria provided, single submitter. Criteria: Invitae Variant Classification Sherloc (09022015). Collection method: clinical testing. Allele origin: germline.

Athena Diagnostics
Classification: Benign. Last evaluated: 2019-02-11. Review status: criteria provided, single submitter. Criteria: Athena Diagnostics Criteria. Collection method: clinical testing. Allele origin: germline.

GeneDx
Classification: Benign. Last evaluated: 2018-02-02. Review status: criteria provided, single submitter. Criteria: GeneDx Variant Classification (06012015). Collection method: clinical testing. Allele origin: germline. Affected: yes.
Comment: This variant is considered likely benign or benign based on one or more of the following criteria: it is a conservative change, it occurs at a poorly conserved position in the protein, it is predicted to be benign by multiple in silico algorithms, and/or has population frequency not consistent with disease.

Breakthrough Genomics
Classification: Benign. Review status: criteria provided, single submitter. Criteria: ACMG Guidelines, 2015. Collection method: not provided. Allele origin: germline. Inheritance: Autosomal dominant inheritance. Affected: yes.

Literature cited by the submitters: PubMed 23447461 (cited by Athena Diagnostics); PubMed 21220648 (cited by Athena Diagnostics).

NM_001042517.2(DIAPH3):c.1787C>T (p.Pro596Leu)

Gene: DIAPH3 (diaphanous related formin 3; minus strand). Cytogenetic location: 13q21.2.
Variant type: single nucleotide variant.
Coding change: c.1787C>T on transcript NM_001042517.2 (MANE Select); coding-DNA position 1787, C replaced by T.
Protein change: p.Pro596Leu; replaces proline 596 with leucine.
Molecular consequence: missense variant.
Genome position (GRCh38, 1-based): chr13:59,971,024, G>A on the plus strand (C>T on the coding strand, the complement: DIAPH3 is on the minus strand). VCF-style: chr13-59971024-G-A. GRCh37 (hg19) VCF-style: chr13-60545158-G-A.
Other names: c.1754C>T, p.Pro585Leu (NM_001258366.2); c.1649C>T, p.Pro550Leu (NM_001258367.2); c.1577C>T, p.Pro526Leu (NM_001258368.2); c.1787C>T, p.Pro596Leu (NM_001258369.2); c.998C>T, p.Pro333Leu (NM_001258370.2, NM_030932.4); short protein forms P596L, P526L, P550L, P585L, P333L.
Identifiers: ClinVar variation 513194 (VCV000513194.14), dbSNP rs150023947, ClinGen allele CA6996579.